The following is an entry in ClinVar:

NM_002437.5(MPV17):c.414G>A (p.Trp138Ter)

Gene: MPV17 (mitochondrial inner membrane protein MPV17; minus strand). Cytogenetic location: 2p23.3.
Variant type: single nucleotide variant.
Coding change: c.414G>A on transcript NM_002437.5 (MANE Select); coding-DNA position 414, G replaced by A.
Protein change: p.Trp138Ter; replaces tryptophan 138 with a stop codon.
Molecular consequence: nonsense.
Genome position (GRCh38, 1-based): chr2:27,311,946, C>T on the plus strand (G>A on the coding strand, the complement: MPV17 is on the minus strand). VCF-style: chr2-27311946-C-T. GRCh37 (hg19) VCF-style: chr2-27534814-C-T.
Other names: short protein forms W138*.
Identifiers: ClinVar variation 4057910 (VCV004057910.2).

ClinVar aggregate classification (germline): Likely pathogenic (1 of 4 stars; one submission).

Conditions:
Mitochondrial DNA depletion syndrome, hepatocerebral form. Identifiers: Orphanet 254871, MedGen C3711385, MONDO:0100512.

Submission:

Natera, Inc.
Classification: Likely pathogenic for Mitochondrial DNA depletion syndrome, hepatocerebral form. Last evaluated: 2026-01-23. Review status: criteria provided, single submitter. Criteria: Natera Variant Classification Schema (03/2026). Collection method: clinical testing. Allele origin: germline.
Comment: The c.414G>A variant in MPV17 is a nonsense variant predicted to introduce a stop codon at amino acid 138. This variant is expected to result in nonsense mediated decay, truncation, or a dysfunctional protein product. This variant is rare in the general population with a frequency below the threshold expected for the associated phenotype(s). Given the available evidence, this variant is classified as Likely Pathogenic.